The following is an entry in ClinVar:

NM_006121.4(KRT1):c.256C>A (p.Arg86Ser)

Gene: KRT1 (keratin 1; minus strand). Cytogenetic location: 12q13.13.
Variant type: single nucleotide variant.
Coding change: c.256C>A on transcript NM_006121.4 (MANE Select); coding-DNA position 256, C replaced by A.
Protein change: p.Arg86Ser; replaces arginine 86 with serine.
Molecular consequence: missense variant.
Genome position (GRCh38, 1-based): chr12:52,680,093, G>T on the plus strand (C>A on the coding strand, the complement: KRT1 is on the minus strand). VCF-style: chr12-52680093-G-T. GRCh37 (hg19) VCF-style: chr12-53073877-G-T.
Other names: short protein forms R86S.
Identifiers: ClinVar variation 784241 (VCV000784241.9), dbSNP rs145256530, ClinGen allele CA6586473.

ClinVar aggregate classification (germline): Benign/Likely benign. Review status: criteria provided, multiple submitters, no conflicts (2 of 4 stars). 4 submissions from 4 submitters: Benign (2); Likely benign (1). 1 of the submissions does not count toward it. Last evaluated 2025-08-04.

Conditions:
KRT1-related disorder. Also called: KRT1-related condition.

Allele frequency attached by ClinVar (database versions not stated): 1000 Genomes Project 30x 0.00187; 1000 Genomes Project 0.00200; ESP Exome Variant Server 0.00257; TOPMed 0.00320.
gnomAD v4.1: 698 of 1,556,666 alleles (0.045%); highest among the groups gnomAD compares: African/African-American, 0.8%; 7 homozygotes.

Submissions (4):

Labcorp Genetics (formerly Invitae), Labcorp
Classification: Benign. Last evaluated: 2025-08-04. Review status: criteria provided, single submitter. Criteria: Invitae Variant Classification Sherloc (09022015). Collection method: clinical testing. Allele origin: germline.

Blueprint Genetics
Classification: Likely benign. Last evaluated: 2024-10-23. Review status: criteria provided, single submitter. Criteria: ACMG Guidelines, 2015. Collection method: clinical testing. Allele origin: germline.

Breakthrough Genomics
Classification: Benign. Review status: criteria provided, single submitter. Criteria: ACMG Guidelines, 2015. Collection method: not provided. Allele origin: germline. Inheritance: Autosomal dominant inheritance. Affected: yes.

PreventionGenetics, part of Exact Sciences
Classification: Benign for KRT1-related condition. Last evaluated: 2020-05-14. Review status: no assertion criteria provided. Collection method: clinical testing. Allele origin: germline. Not counted in ClinVar's aggregate classification.
Comment: This variant is classified as benign based on ACMG/AMP sequence variant interpretation guidelines (Richards et al. 2015 PMID: 25741868, with internal and published modifications).